The following is an entry in ClinVar:

ClinVar aggregate classification (germline): Likely benign (1 of 4 stars; one submission).

Allele frequency attached by ClinVar (database versions not stated): gnomAD 0.00006; TOPMed 0.00006; ESP Exome Variant Server 0.00044.
gnomAD v4.1: 19 of 1,552,056 alleles (0.0012%); highest among the groups gnomAD compares: African/African-American, 0.019%; no homozygotes.

Submission:

CeGaT Center for Human Genetics Tuebingen
Classification: Likely benign. Last evaluated: 2022-03-01. Review status: criteria provided, single submitter. Criteria: CeGaT Center For Human Genetics Tuebingen Variant Classification Criteria Version 2. Collection method: clinical testing. Allele origin: germline. Affected: yes. Observed: 1 variant allele.
Comment: NWD2: BP4, BP7

NM_001144990.2(NWD2):c.3576G>T (p.Val1192=)

Gene: NWD2 (NACHT and WD repeat domain containing 2; plus strand). Cytogenetic location: 4p14.
Variant type: single nucleotide variant.
Coding change: c.3576G>T on transcript NM_001144990.2 (MANE Select); coding-DNA position 3576, G replaced by T.
Protein change: p.Val1192=; no amino-acid change (valine 1192 retained).
Molecular consequence: synonymous variant.
Genome position (GRCh38, 1-based): chr4:37,445,564, G>T. VCF-style: chr4-37445564-G-T. GRCh37 (hg19) VCF-style: chr4-37447186-G-T.
Identifiers: ClinVar variation 2654715 (VCV002654715.24), dbSNP rs374145065, ClinGen allele CA96030157.